The following is an entry in ClinVar:

NM_001127208.3(TET2):c.706G>T (p.Asp236Tyr)

Genes: TET2 (tet methylcytosine dioxygenase 2; plus strand), TET2-AS1 (TET2 antisense RNA 1; minus strand). Cytogenetic location: 4q24.
Variant type: single nucleotide variant.
Coding change: c.706G>T on transcript NM_001127208.3 (MANE Select); coding-DNA position 706, G replaced by T.
Protein change: p.Asp236Tyr; replaces aspartic acid 236 with tyrosine.
Molecular consequence: missense variant.
Genome position (GRCh38, 1-based): chr4:105,234,648, G>T. VCF-style: chr4-105234648-G-T. GRCh37 (hg19) VCF-style: chr4-106155805-G-T.
Other names: c.706G>T, p.Asp236Tyr (NM_017628.4); short protein forms D236Y.
Identifiers: ClinVar variation 5030753 (VCV005030753.1).

ClinVar aggregate classification (germline): Uncertain significance (1 of 4 stars; one submission).

gnomAD v4.1: 1 of 1,614,016 alleles (0.000062%); highest among the groups gnomAD compares: Admixed American, 0.0017%; no homozygotes.

Submission:

Ambry Genetics
Classification: Uncertain significance. Last evaluated: 2026-08-16. Review status: criteria provided, single submitter. Criteria: Ambry Variant Classification Scheme 2023. Collection method: clinical testing. Allele origin: germline.
Comment: The p.D236Y variant (also known as c.706G>T), located in coding exon 1 of the TET2 gene, results from a G to T substitution at nucleotide position 706. The aspartic acid at codon 236 is replaced by tyrosine, an amino acid with highly dissimilar properties. This amino acid position is conserved. In addition, the in silico prediction for this alteration is inconclusive. Based on the available evidence, the clinical significance of this variant remains unclear.